The following is an entry in ClinVar:

ClinVar aggregate classification (germline): Uncertain significance (1 of 4 stars; one submission).

Submission:

Labcorp Genetics (formerly Invitae), Labcorp
Classification: Uncertain significance. Last evaluated: 2025-07-27. Review status: criteria provided, single submitter. Criteria: Invitae Variant Classification Sherloc (09022015). Collection method: clinical testing. Allele origin: germline.
Comment: This sequence change replaces arginine, which is basic and polar, with lysine, which is basic and polar, at codon 971 of the JAK2 protein (p.Arg971Lys). This variant is not present in population databases (gnomAD no frequency). This variant has not been reported in the literature in individuals affected with JAK2-related conditions. Invitae Evidence Modeling of protein sequence and biophysical properties (such as structural, functional, and spatial information, amino acid conservation, physicochemical variation, residue mobility, and thermodynamic stability) indicates that this missense variant is not expected to disrupt JAK2 protein function with a negative predictive value of 80%. In summary, the available evidence is currently insufficient to determine the role of this variant in disease. Therefore, it has been classified as a Variant of Uncertain Significance.

NM_004972.4(JAK2):c.2912G>A (p.Arg971Lys)

Genes: INSL6 (insulin like 6; minus strand), JAK2 (Janus kinase 2; plus strand). Cytogenetic location: 9p24.1.
Variant type: single nucleotide variant.
Coding change: c.2912G>A on transcript NM_004972.4 (MANE Select); coding-DNA position 2912, G replaced by A.
Protein change: p.Arg971Lys; replaces arginine 971 with lysine.
Molecular consequence: missense variant. On other transcripts: non-coding transcript variant (2).
Genome position (GRCh38, 1-based): chr9:5,090,764, G>A. VCF-style: chr9-5090764-G-A. GRCh37 (hg19) VCF-style: chr9-5090764-G-A.
Other names: c.2912G>A, p.Arg971Lys (NM_001322194.2, NM_001322195.2, NM_001322196.2); c.1697G>A, p.Arg566Lys (NM_001322198.2, NM_001322199.2); c.2465G>A, p.Arg822Lys (NM_001322204.2); short protein forms R566K, R822K, R971K.
Identifiers: ClinVar variation 4745016 (VCV004745016.1).